The following is an entry in ClinVar:

NM_001271893.4(TWIST2):c.414C>G (p.His138Gln)

Gene: TWIST2 (twist family bHLH transcription factor 2; plus strand). Cytogenetic location: 2q37.3.
Variant type: single nucleotide variant.
Coding change: c.414C>G on transcript NM_001271893.4 (MANE Select); coding-DNA position 414, C replaced by G.
Protein change: p.His138Gln; replaces histidine 138 with glutamine.
Molecular consequence: missense variant.
Genome position (GRCh38, 1-based): chr2:238,848,629, C>G. VCF-style: chr2-238848629-C-G. GRCh37 (hg19) VCF-style: chr2-239757270-C-G.
Other names: c.414C>G, p.His138Gln (NM_057179.3); short protein forms H138Q.
Identifiers: ClinVar variation 1307972 (VCV001307972.2), dbSNP rs1165074128, ClinGen allele CA351463307.
Genomic context (GRCh38, chr2:238,848,629, plus strand): 5'-CCAGGTCCTGCAGAGCGACGAGATGGACAATAAGATGACCAGCTGCAGCTACGTGGCCCA[C>G]GAGCGCCTCAGCTACGCCTTCTCCGTGTGGCGCATGGAGGGCGCGTGGTCCATGTCCGCC-3'
Protein context (NP_001258822.1, residues 128-148): NKMTSCSYVA[His138Gln]ERLSYAFSVW

ClinVar aggregate classification (germline): Uncertain significance (1 of 4 stars; one submission).

gnomAD v4.1: 3 of 1,542,842 alleles (0.00019%); highest among the groups gnomAD compares: African/African-American, 0.0041%; no homozygotes.

Submission:

GeneDx
Classification: Uncertain significance. Last evaluated: 2019-08-27. Review status: criteria provided, single submitter. Criteria: GeneDx Variant Classification Process June 2021. Collection method: clinical testing. Allele origin: germline. Affected: yes.
Comment: Not observed in large population cohorts (Lek et al., 2016); In silico analysis, which includes protein predictors and evolutionary conservation, supports a deleterious effect; Has not been previously published as pathogenic or benign to our knowledge